The following is an entry in ClinVar:

ClinVar aggregate classification (germline): Pathogenic. Review status: criteria provided, multiple submitters, no conflicts (2 of 4 stars). 7 submissions from 7 submitters: Pathogenic (5). 2 of the submissions do not count toward it. Last evaluated 2024-05-23.

Conditions:
SGO1-related disorder. Also called: SGO1-related condition.
Cardiovascular phenotype. Identifiers: MedGen CN230736.
Chronic atrial and intestinal dysrhythmia (CAID). Identifiers: Orphanet 435988, MedGen C4015474, MONDO:0014528, OMIM 616201.

Allele frequency attached by ClinVar (database versions not stated): ESP Exome Variant Server 0.00008; gnomAD 0.00013 and 0.00015; TOPMed 0.00016; gnomAD exomes 0.00017 and 0.00019; ExAC 0.00018.
gnomAD v4.1: 265 of 1,612,714 alleles (0.016%); highest among the groups gnomAD compares: Middle Eastern, 0.049%; no homozygotes.

Submissions (7):

Blueprint Genetics
Classification: Pathogenic for SGO1-related disorders. Last evaluated: 2024-05-23. Review status: criteria provided, single submitter. Criteria: ACMG Guidelines, 2015. Collection method: clinical testing. Allele origin: germline. Affected: yes. Observed: 5 variant alleles.

Molecular Diagnostic Laboratory for Inherited Cardiovascular Disease, Montreal Heart Institute
Classification: Pathogenic for Cardiovascular phenotype. Last evaluated: 2024-05-09. Review status: criteria provided, single submitter. Criteria: ACMG Guidelines, 2015. Collection method: clinical testing. Allele origin: germline. Affected: yes.
Comment: PS3, PS4, PP1_mod, PP3, PP5

GeneDx
Classification: Pathogenic. Last evaluated: 2023-01-11. Review status: criteria provided, single submitter. Criteria: GeneDx Variant Classification Process June 2021. Collection method: clinical testing. Allele origin: germline. Affected: yes.
Comment: In silico analysis supports that this missense variant has a deleterious effect on protein structure/function; In vitro studies in patient fibroblasts with homozygous p.K23E suggest abnormal cell progression, cell signalling, epigenetic modifications, and protein expression compared to controls (Chetaille et al., 2014; Piche et al., 2019); This variant is associated with the following publications: (PMID: 31516082, 30739867, 25282101, 35799243, 32213217, 33953173)

Fulgent Genetics
Classification: Pathogenic for Chronic atrial and intestinal dysrhythmia. Last evaluated: 2022-04-12. Review status: criteria provided, single submitter. Criteria: ACMG Guidelines, 2015. Collection method: clinical testing. Allele origin: unknown.

Neuberg Centre For Genomic Medicine, NCGM
Classification: Pathogenic for Chronic atrial and intestinal dysrhythmia. Review status: criteria provided, single submitter. Criteria: ACMG Guidelines, 2015. Collection method: clinical testing. Allele origin: germline. Inheritance: Autosomal recessive inheritance. Affected: yes.
Comment: In vitro studies in patient fibroblasts with homozygous p.Lys23Glu suggest abnormal cell progression, cell signalling, epigenetic modifications, and protein expression compared to controls (Chetaille P et al., 2014). For these reasons, this variant has been classified as Pathogenic.

PreventionGenetics, part of Exact Sciences
Classification: Likely pathogenic for SGO1-related condition. Last evaluated: 2024-07-01. Review status: no assertion criteria provided. Collection method: clinical testing. Allele origin: germline. Not counted in ClinVar's aggregate classification.
Comment: The SGO1 c.67A>G variant is predicted to result in the amino acid substitution p.Lys23Glu. This missense change has been documented in the homozygous state in multiple unrelated individuals with chronic atrial and intestinal dysrhythmia, and functional studies support its pathogenicity (Chetaille et al 2014. PubMed ID: 25282101; Piché et al. 2019. PubMed ID: 30739867). This variant is reported in 0.031% of alleles in individuals of Latino descent in gnomAD. This variant is interpreted as likely pathogenic.

OMIM
Classification: Pathogenic for CHRONIC ATRIAL AND INTESTINAL DYSRHYTHMIA. Last evaluated: 2014-11-01. Review status: no assertion criteria provided. Collection method: literature only. Allele origin: germline. Not counted in ClinVar's aggregate classification.

Literature cited by the submitters: PubMed 25282101 (cited by OMIM).

NM_001199251.3(SGO1):c.67A>G (p.Lys23Glu)

Genes: SGO1 (shugoshin 1; minus strand), SGO1-AS1 (SGO1 antisense RNA 1; plus strand). Cytogenetic location: 3p24.3.
Variant type: single nucleotide variant.
Coding change: c.67A>G on transcript NM_001199251.3 (MANE Select); coding-DNA position 67, A replaced by G.
Protein change: p.Lys23Glu; replaces lysine 23 with glutamic acid.
Molecular consequence: missense variant. On other transcripts: non-coding transcript variant (2).
Genome position (GRCh38, 1-based): chr3:20,183,961, T>C on the plus strand (A>G on the coding strand, the complement: SGO1 is on the minus strand). VCF-style: chr3-20183961-T-C. GRCh37 (hg19) VCF-style: chr3-20225453-T-C.
Other names: SGOL1, LYS23GLU (rs199815268); c.67A>G (NM_001199256.2); c.67A>G, p.Lys23Glu (NM_001012409.4, NM_001012410.5, NM_001012411.4 and 9 more transcripts); short protein forms K23E.
Identifiers: ClinVar variation 162627 (VCV000162627.14), dbSNP rs199815268, ClinGen allele CA175117.